The following is an entry in ClinVar:

NM_002317.7(LOX):c.211G>C (p.Asp71His)

Genes: LOX (lysyl oxidase; minus strand), SRFBP1 (serum response factor binding protein 1; plus strand). Cytogenetic location: 5q23.1.
Variant type: single nucleotide variant.
Coding change: c.211G>C on transcript NM_002317.7 (MANE Select); coding-DNA position 211, G replaced by C.
Protein change: p.Asp71His; replaces aspartic acid 71 with histidine.
Molecular consequence: missense variant.
Genome position (GRCh38, 1-based): chr5:122,077,775, C>G on the plus strand (G>C on the coding strand, the complement: LOX is on the minus strand). VCF-style: chr5-122077775-C-G. GRCh37 (hg19) VCF-style: chr5-121413470-C-G.
Other names: c.211G>C (NM_002317.5); short protein forms D71H.
Identifiers: ClinVar variation 1354667 (VCV001354667.7), dbSNP rs777539218, ClinGen allele CA360877535.

ClinVar aggregate classification (germline): Uncertain significance. Review status: criteria provided, multiple submitters, no conflicts (2 of 4 stars). 2 submissions from 2 submitters: Uncertain significance (2). Last evaluated 2024-06-11.

Conditions:
Cardiovascular phenotype. Identifiers: MedGen CN230736.

Allele frequency attached by ClinVar (database versions not stated): TOPMed below 0.00001; gnomAD 0.00001.
gnomAD v4.1: 7 of 1,548,904 alleles (0.00045%); highest among the groups gnomAD compares: African/African-American, 0.0014%; no homozygotes.

Submissions (2):

Ambry Genetics
Classification: Uncertain significance for Cardiovascular phenotype. Last evaluated: 2024-06-11. Review status: criteria provided, single submitter. Criteria: Ambry Variant Classification Scheme 2023. Collection method: clinical testing. Allele origin: germline.
Comment: The p.D71H variant (also known as c.211G>C), located in coding exon 1 of the LOX gene, results from a G to C substitution at nucleotide position 211. The aspartic acid at codon 71 is replaced by histidine, an amino acid with similar properties. This amino acid position is conserved. In addition, this alteration is predicted to be tolerated by in silico analysis. Based on the available evidence, the clinical significance of this variant remains unclear.

Labcorp Genetics (formerly Invitae), Labcorp
Classification: Uncertain significance. Last evaluated: 2021-06-15. Review status: criteria provided, single submitter. Criteria: Invitae Variant Classification Sherloc (09022015). Collection method: clinical testing. Allele origin: germline.
Comment: This sequence change replaces aspartic acid with histidine at codon 71 of the LOX protein (p.Asp71His). The aspartic acid residue is moderately conserved and there is a moderate physicochemical difference between aspartic acid and histidine. The frequency data for this variant in the population databases is considered unreliable, as metrics indicate insufficient coverage at this position in the ExAC database. This variant has been observed in individual(s) with LOX-related conditions (Invitae). Algorithms developed to predict the effect of missense changes on protein structure and function are either unavailable or do not agree on the potential impact of this missense change (SIFT: "Not Available"; PolyPhen-2: "Benign"; Align-GVGD: "Not Available"). In summary, the available evidence is currently insufficient to determine the role of this variant in disease. Therefore, it has been classified as a Variant of Uncertain Significance.